The following is an entry in ClinVar:

NM_152743.4(BRAT1):c.32C>A (p.Ala11Asp)

Gene: BRAT1 (BRCA1 associated ATM activator 1; minus strand). Cytogenetic location: 7p22.3.
Variant type: single nucleotide variant.
Coding change: c.32C>A on transcript NM_152743.4 (MANE Select); coding-DNA position 32, C replaced by A.
Protein change: p.Ala11Asp; replaces alanine 11 with aspartic acid.
Molecular consequence: missense variant. On other transcripts: 5 prime UTR variant (1), non-coding transcript variant (1).
Genome position (GRCh38, 1-based): chr7:2,554,400, G>T on the plus strand (C>A on the coding strand, the complement: BRAT1 is on the minus strand). VCF-style: chr7-2554400-G-T. GRCh37 (hg19) VCF-style: chr7-2594034-G-T.
Other names: c.32C>A, p.Ala11Asp (NM_001350626.2); c.-346C>A (NM_001350627.2); short protein forms A11D.
Identifiers: ClinVar variation 540166 (VCV000540166.1), dbSNP rs768798947, ClinGen allele CA366633595.
Genomic context (GRCh38, chr7:2,554,400, plus strand): 5'-TTCTCCAAACAGGTGTCATCTGCCACCGGCTGCCTGGGATCTACCAGAACAGCACAGAGA[G>T]CCGGGAGCAGCTGGGCGCATTCTGGGTCCATGGTGAGGCCGCAGGCCCTGCAAAGGCAAT-3'
Protein context (NP_689956.2, residues 1-21): MDPECAQLLP[Ala11Asp]LCAVLVDPRQ

ClinVar aggregate classification (germline): Uncertain significance (1 of 4 stars; one submission).

Conditions:
Neonatal-onset encephalopathy with rigidity and seizures. Also called: Lethal neonatal spasticity-epileptic encephalopathy syndrome. Identifiers: Orphanet 435845, MedGen C3281029, MONDO:0013784, OMIM 614498.

Submission:

Labcorp Genetics (formerly Invitae), Labcorp
Classification: Uncertain significance for Neonatal-onset encephalopathy with rigidity and seizures. Last evaluated: 2017-11-16. Review status: criteria provided, single submitter. Criteria: Invitae Variant Classification Sherloc (09022015). Collection method: clinical testing. Allele origin: germline.
Comment: This sequence change replaces alanine with aspartic acid at codon 11 of the BRAT1 protein (p.Ala11Asp). The alanine residue is moderately conserved and there is a moderate physicochemical difference between alanine and aspartic acid. This variant is not present in population databases (ExAC no frequency). This variant has not been reported in the literature in individuals with BRAT1-related disease. Algorithms developed to predict the effect of missense changes on protein structure and function (SIFT, PolyPhen-2, Align-GVGD) all suggest that this variant is likely to be tolerated, but these predictions have not been confirmed by published functional studies and their clinical significance is uncertain. In summary, the available evidence is currently insufficient to determine the role of this variant in disease. Therefore, it has been classified as a Variant of Uncertain Significance.